The following is an entry in ClinVar:

NM_130837.3(OPA1):c.577_578dup (p.Ile194fs)

Gene: OPA1 (OPA1 mitochondrial dynamin like GTPase; plus strand). Cytogenetic location: 3q29.
Variant type: Duplication.
Coding change: c.577_578dup on transcript NM_130837.3 (MANE Select); coding-DNA positions 577 to 578, 2 bases duplicated (GT; older notation c.577_578dupGT).
Protein change: p.Ile194fs; shifts the reading frame from isoleucine 194.
Molecular consequence: frameshift variant. On other transcripts: intron variant (6).
Genome position (GRCh38, 1-based): chr3:193,617,804-193,617,805, GT duplicated. VCF-style (leftmost placement, unchanged base first): chr3-193617803-A-AGT. GRCh37 (hg19) VCF-style: chr3-193335592-A-AGT.
Other names: c.577_578dupGT (NM_130837.2); c.469_470dup, p.Ile158fs (NM_130832.3, NM_130835.3); c.577_578dup, p.Ile194fs (NM_130834.3); c.184+519_184+520dup (NM_001354664.2); c.77-1065_77-1064dup (NM_001354663.2); c.556+519_556+520dup (NM_130836.3, NM_015560.3); c.449-1065_449-1064dup (NM_130833.3, NM_130831.3); short protein forms I194fs, I158fs.
Identifiers: ClinVar variation 4994505 (VCV004994505.3).

ClinVar aggregate classification (germline): Conflicting classifications of pathogenicity. Review status: criteria provided, conflicting classifications (1 of 4 stars). 2 submissions from 2 submitters: Likely pathogenic (1); Uncertain significance (1). Last evaluated 2025-12-18.

Conditions:
OPA1-related disorder. Also called: OPA1-related condition; OPA1-related disorders.
Mitochondrial dna depletion syndrome 14A (encephalomyopathic type). Identifiers: MedGen C6065952, MONDO:0980967, OMIM 621481.
Abortive cerebellar ataxia (BEHRS). Also called: OPTIC ATROPHY, INFANTILE HEREDITARY, WITH NEUROLOGIC ABNORMALITIES; Behr syndrome. Identifiers: Orphanet 1239, MedGen C0221061, MONDO:0008858, OMIM 210000.
Optic atrophy with or without deafness, ophthalmoplegia, myopathy, ataxia, and neuropathy. Also called: OPTIC ATROPHY PLUS SYNDROME. Identifiers: MedGen C3276549, MONDO:0007429, OMIM 125250.
Glaucoma, normal tension, susceptibility to (NTG). Also called: GLAUCOMA, NORMAL PRESSURE, SUSCEPTIBILITY TO. Identifiers: MedGen C1847730, MONDO:0011693, OMIM 606657.
Autosomal dominant optic atrophy classic form (OPA1). Also called: KJER-TYPE OPTIC ATROPHY; OPTIC ATROPHY, JUVENILE; Optic Atrophy Type 1. Identifiers: Orphanet 98673, MedGen C0338508, MONDO:0008134, OMIM 165500.
Mitochondrial DNA depletion syndrome 14B (cardioencephalomyopathic type). Also called: Mitochondrial DNA depletion syndrome 14 (encephalocardiomyopathic type); Mitochondrial DNA depletion syndrome 14 (cardioencephalomyopathic type). Identifiers: MedGen C6065890, MONDO:0014820, OMIM 616896.

Submissions (2):

PreventionGenetics, part of Exact Sciences
Classification: Uncertain significance for OPA1-related condition. Last evaluated: 2025-12-18. Review status: criteria provided, single submitter. Criteria: ACMG Guidelines, 2015. Collection method: clinical testing. Allele origin: germline.
Comment: The OPA1 c.577_578dupGT variant is predicted to result in a frameshift and premature protein termination (p.Ile194Serfs*2). This variant is deep intronic in transcript NM_015560: c.556+519_556+520dupGT. This variant has been reported in a patient with high myopia (described as c.469_470dup, Table S6, Chen et al. 2024. PubMed ID: 38315492). This variant is present in 0.0054% of alleles in individuals of East Asian descent in gnomAD. While variants that cause a frameshift in OPA1 are an established mechanism of disease, this variant does not cause a frameshift in the commonly cited NM_015560 transcript. Therefore, although we suspect that this variant may be pathogenic, at this time, the clinical significance of this variant is uncertain due to the absence of conclusive functional and genetic evidence.

Juno Genomics, Hangzhou Juno Genomics, Inc
Classification: Likely pathogenic for Mitochondrial dna depletion syndrome 14A (encephalomyopathic type); Mitochondrial DNA depletion syndrome 14B (cardioencephalomyopathic type); Glaucoma, normal tension, susceptibility to; Abortive cerebellar ataxia; Autosomal dominant optic atrophy classic form; Optic atrophy with or without deafness, ophthalmoplegia, myopathy, ataxia, and neuropathy. Review status: criteria provided, single submitter. Criteria: ACMG Guidelines, 2015. Collection method: clinical testing. Allele origin: germline.
Comment: Absent from controls (or at extremely low frequency if recessive) in Genome Aggregation Database.;Null variant in a gene where loss of function (LOF) is a known mechanism of disease.